The following is an entry in ClinVar:

NM_001854.4(COL11A1):c.2558G>C (p.Gly853Ala)

Gene: COL11A1 (collagen type XI alpha 1 chain; minus strand). Cytogenetic location: 1p21.1.
Variant type: single nucleotide variant.
Coding change: c.2558G>C on transcript NM_001854.4 (MANE Select); coding-DNA position 2558, G replaced by C.
Protein change: p.Gly853Ala; replaces glycine 853 with alanine.
Molecular consequence: missense variant. On other transcripts: non-coding transcript variant (1).
Genome position (GRCh38, 1-based): chr1:102,979,434, C>G on the plus strand (G>C on the coding strand, the complement: COL11A1 is on the minus strand). VCF-style: chr1-102979434-C-G. GRCh37 (hg19) VCF-style: chr1-103444990-C-G.
Other names: c.2441G>C, p.Gly814Ala (NM_001190709.2); c.2594G>C, p.Gly865Ala (NM_080629.3); c.2210G>C, p.Gly737Ala (NM_080630.4); short protein forms G737A, G814A, G853A, G865A.
Identifiers: ClinVar variation 4808735 (VCV004808735.1).

ClinVar aggregate classification (germline): Uncertain significance (1 of 4 stars; one submission).

Submission:

Labcorp Genetics (formerly Invitae), Labcorp
Classification: Uncertain significance. Last evaluated: 2025-10-08. Review status: criteria provided, single submitter. Criteria: Invitae Variant Classification Sherloc (09022015). Collection method: clinical testing. Allele origin: germline.
Comment: This sequence change replaces glycine, which is neutral and non-polar, with alanine, which is neutral and non-polar, at codon 853 of the COL11A1 protein (p.Gly853Ala). This variant is not present in population databases (gnomAD no frequency). This variant has not been reported in the literature in individuals affected with COL11A1-related conditions. Experimental studies and prediction algorithms are not available or were not evaluated, and the functional significance of this variant is currently unknown. In summary, the available evidence is currently insufficient to determine the role of this variant in disease. Therefore, it has been classified as a Variant of Uncertain Significance.